The following is an entry in ClinVar:

ClinVar aggregate classification (germline): Likely benign. Review status: criteria provided, multiple submitters, no conflicts (2 of 4 stars). 2 submissions from 2 submitters: Likely benign (2). Last evaluated 2025-06-06.

Conditions:
Alpha thalassemia-X-linked intellectual disability syndrome (ATRX). Also called: ATR-X syndrome; Alpha thalassemia mental retardation syndrome, nondeletion type, X-linked; XLMR hypotonic face syndrome; X-linked alpha-thalassemia-mental retardation syndrome; ALPHA-THALASSEMIA/IMPAIRED INTELLECTUAL DEVELOPMENT SYNDROME, X-LINKED; ALPHA-THALASSEMIA/MENTAL RETARDATION SYNDROME, X-LINKED. Identifiers: Orphanet 847, MedGen C1845055, MONDO:0010519, OMIM 301040.

gnomAD v4.1: 1 of 1,209,279 alleles (0.000083%); highest among the groups gnomAD compares: Admixed American, 0.0022%; no homozygotes.

Submissions (2):

Labcorp Genetics (formerly Invitae), Labcorp
Classification: Likely benign for Alpha thalassemia-X-linked intellectual disability syndrome. Last evaluated: 2025-06-06. Review status: criteria provided, single submitter. Criteria: Invitae Variant Classification Sherloc (09022015). Collection method: clinical testing. Allele origin: germline.

GeneDx
Classification: Likely benign. Last evaluated: 2024-06-11. Review status: criteria provided, single submitter. Criteria: GeneDx Variant Classification Process June 2021. Collection method: clinical testing. Allele origin: germline. Affected: yes.
Comment: See Variant Classification Assertion Criteria.

NM_000489.6(ATRX):c.2312C>A (p.Ala771Glu)

Gene: ATRX (ATRX chromatin remodeler; minus strand). Cytogenetic location: Xq21.1.
Variant type: single nucleotide variant.
Coding change: c.2312C>A on transcript NM_000489.6 (MANE Select); coding-DNA position 2312, C replaced by A.
Protein change: p.Ala771Glu; replaces alanine 771 with glutamic acid.
Molecular consequence: missense variant.
Genome position (GRCh38, 1-based): chrX:77,682,944, G>T on the plus strand (C>A on the coding strand, the complement: ATRX is on the minus strand). VCF-style: chrX-77682944-G-T. GRCh37 (hg19) VCF-style: chrX-76938436-G-T.
Other names: c.2198C>A, p.Ala733Glu (NM_138270.5); c.2312C>A (NM_000489.3); short protein forms A771E, A733E.
Identifiers: ClinVar variation 1382819 (VCV001382819.7), dbSNP rs376906761, ClinGen allele CA10458101.